The following is an entry in ClinVar:

NM_000466.3(PEX1):c.651A>G (p.Gln217=)

Gene: PEX1 (peroxisomal biogenesis factor 1; minus strand). Cytogenetic location: 7q21.2.
Variant type: single nucleotide variant.
Coding change: c.651A>G on transcript NM_000466.3 (MANE Select); coding-DNA position 651, A replaced by G.
Protein change: p.Gln217=; no amino-acid change (glutamine 217 retained).
Molecular consequence: synonymous variant.
Genome position (GRCh38, 1-based): chr7:92,517,864, T>C on the plus strand (A>G on the coding strand, the complement: PEX1 is on the minus strand). VCF-style: chr7-92517864-T-C. GRCh37 (hg19) VCF-style: chr7-92147178-T-C.
Other names: c.651A>G, p.Gln217= (NM_001282677.2); c.27A>G, p.Gln9= (NM_001282678.2); c.651A>G (NM_000466.2).
Identifiers: ClinVar variation 1621064 (VCV001621064.9), dbSNP rs1476909174, ClinGen allele CA456624501.

ClinVar aggregate classification (germline): Likely benign. Review status: criteria provided, multiple submitters, no conflicts (2 of 4 stars). 2 submissions from 2 submitters: Likely benign (2). Last evaluated 2026-07-27.

Conditions:
Zellweger spectrum disorders (ZS). Also called: Zellweger Spectrum Disorder; Zellweger Spectrum; Zellweger Spectrum Disorder (ZSD); Zellweger syndrome. Identifiers: Orphanet 912, MedGen C0043459, MONDO:0019609.
PEX1-related disorder. Also called: PEX1-related condition.

Allele frequency attached by ClinVar (database versions not stated): gnomAD exomes below 0.00001 and 0.00001; gnomAD 0.00001; TOPMed 0.00001.
gnomAD v4.1: 6 of 1,541,636 alleles (0.00039%); highest among the groups gnomAD compares: Non-Finnish European, 0.00035%; no homozygotes.

Submissions (2):

PreventionGenetics, part of Exact Sciences
Classification: Likely benign for PEX1-related condition. Last evaluated: 2026-07-27. Review status: criteria provided, single submitter. Criteria: ACMG Guidelines, 2015. Collection method: clinical testing. Allele origin: germline.
Comment: This variant is classified as likely benign based on ACMG/AMP sequence variant interpretation guidelines (Richards et al. 2015 PMID: 25741868, with internal and published modifications).

Labcorp Genetics (formerly Invitae), Labcorp
Classification: Likely benign for Zellweger spectrum disorders. Last evaluated: 2025-10-13. Review status: criteria provided, single submitter. Criteria: Invitae Variant Classification Sherloc (09022015). Collection method: clinical testing. Allele origin: germline.